The following is an entry in ClinVar:

NM_001378120.1(MBD5):c.889A>C (p.Ile297Leu)

Gene: MBD5 (methyl-CpG binding domain protein 5; plus strand). Cytogenetic location: 2q23.1.
Variant type: single nucleotide variant.
Coding change: c.889A>C on transcript NM_001378120.1 (MANE Select); coding-DNA position 889, A replaced by C.
Protein change: p.Ile297Leu; replaces isoleucine 297 with leucine.
Molecular consequence: missense variant.
Genome position (GRCh38, 1-based): chr2:148,468,832, A>C. VCF-style: chr2-148468832-A-C. GRCh37 (hg19) VCF-style: chr2-149226401-A-C.
Other names: c.889A>C, p.Ile297Leu (NM_018328.5); short protein forms I297L.
Identifiers: ClinVar variation 1440966 (VCV001440966.6), dbSNP rs2105626905, ClinGen allele CA348717930.

ClinVar aggregate classification (germline): Uncertain significance (1 of 4 stars; one submission).

Conditions:
Intellectual developmental disorder, autosomal dominant 1. Also called: Intellectual disability, autosomal dominant 1; MBD5 Haploinsufficiency. Identifiers: Orphanet 228402, MedGen C1969562, MONDO:0007974, OMIM 156200.

Submission:

Labcorp Genetics (formerly Invitae), Labcorp
Classification: Uncertain significance for Intellectual developmental disorder, autosomal dominant 1. Last evaluated: 2021-11-16. Review status: criteria provided, single submitter. Criteria: Invitae Variant Classification Sherloc (09022015). Collection method: clinical testing. Allele origin: germline.
Comment: This variant is not present in population databases (gnomAD no frequency). This sequence change replaces isoleucine, which is neutral and non-polar, with leucine, which is neutral and non-polar, at codon 297 of the MBD5 protein (p.Ile297Leu). In summary, the available evidence is currently insufficient to determine the role of this variant in disease. Therefore, it has been classified as a Variant of Uncertain Significance. Algorithms developed to predict the effect of missense changes on protein structure and function are either unavailable or do not agree on the potential impact of this missense change (SIFT: "Deleterious"; PolyPhen-2: "Benign"; Align-GVGD: "Class C0"). This variant has not been reported in the literature in individuals affected with MBD5-related conditions.